The following is an entry in ClinVar:

ClinVar aggregate classification (germline): Conflicting classifications of pathogenicity. Review status: criteria provided, conflicting classifications (1 of 4 stars). 3 submissions from 3 submitters: Uncertain significance (2); Likely benign (1). Last evaluated 2026-07-23.

Conditions:
TRIOBP-related disorder. Also called: TRIOBP-related condition.

Allele frequency attached by ClinVar (database versions not stated): ExAC 0.00001; gnomAD 0.00003; gnomAD exomes 0.00003; TOPMed 0.00003.
gnomAD v4.1: 49 of 1,613,768 alleles (0.003%); highest among the groups gnomAD compares: East Asian, 0.0067%; no homozygotes.

Submissions (3):

PreventionGenetics, part of Exact Sciences
Classification: Likely benign for TRIOBP-related condition. Last evaluated: 2026-07-23. Review status: criteria provided, single submitter. Criteria: ACMG Guidelines, 2015. Collection method: clinical testing. Allele origin: germline.
Comment: This variant is classified as likely benign based on ACMG/AMP sequence variant interpretation guidelines (Richards et al. 2015 PMID: 25741868, with internal and published modifications).

CeGaT Center for Human Genetics Tuebingen
Classification: Uncertain significance. Last evaluated: 2025-04-01. Review status: criteria provided, single submitter. Criteria: CeGaT Center For Human Genetics Tuebingen Variant Classification Criteria Version 2. Collection method: clinical testing. Allele origin: germline. Affected: yes. Observed: 1 variant allele.
Comment: TRIOBP: PM2, PP3

GeneDx
Classification: Uncertain significance. Last evaluated: 2024-03-27. Review status: criteria provided, single submitter. Criteria: GeneDx Variant Classification Process June 2021. Collection method: clinical testing. Allele origin: germline. Affected: yes.
Comment: In silico analysis supports a deleterious effect on splicing; Has not been previously published as pathogenic or benign to our knowledge

NM_001039141.3(TRIOBP):c.5184G>A (p.Ser1728=)

Gene: TRIOBP (TRIO and F-actin binding protein; plus strand). Cytogenetic location: 22q13.1.
Variant type: single nucleotide variant.
Coding change: c.5184G>A on transcript NM_001039141.3 (MANE Select); coding-DNA position 5184, G replaced by A.
Protein change: p.Ser1728=; no amino-acid change (serine 1728 retained).
Molecular consequence: synonymous variant.
Genome position (GRCh38, 1-based): chr22:37,738,719, G>A. VCF-style: chr22-37738719-G-A. GRCh37 (hg19) VCF-style: chr22-38134726-G-A.
Identifiers: ClinVar variation 3252724 (VCV003252724.9), dbSNP rs750219536.